The following is an entry in ClinVar:

NM_004370.6(COL12A1):c.3853A>G (p.Ile1285Val)

Gene: COL12A1 (collagen type XII alpha 1 chain; minus strand). Cytogenetic location: 6q13.
Variant type: single nucleotide variant.
Coding change: c.3853A>G on transcript NM_004370.6 (MANE Select); coding-DNA position 3853, A replaced by G.
Protein change: p.Ile1285Val; replaces isoleucine 1285 with valine.
Molecular consequence: missense variant.
Genome position (GRCh38, 1-based): chr6:75,152,014, T>C on the plus strand (A>G on the coding strand, the complement: COL12A1 is on the minus strand). VCF-style: chr6-75152014-T-C. GRCh37 (hg19) VCF-style: chr6-75861730-T-C.
Other names: c.3853A>G, p.Ile1285Val (NM_001424113.1, NM_001424114.1); c.3580A>G, p.Ile1194Val (NM_001424115.1); c.361A>G, p.Ile121Val (NM_001424116.1, NM_080645.3); short protein forms I1194V, I121V, I1285V.
Identifiers: ClinVar variation 3758034 (VCV003758034.2).
Genomic context (GRCh38, chr6:75,152,014, plus strand): 5'-CACCAATTTTTCGAGCTCGAGGTCTCATGCCAGCTTGGGTCCTGAAGTTCTGTTGGCGAA[T>C]GAAATTCAAAGCCATGCCTAGTGGGATTTTTAAAAGAGAATCAGTCACATCACCATTCAG-3'
Protein context (NP_004361.3, residues 1275-1295): NTLTGMALNF[Ile1285Val]RQQNFRTQAG

ClinVar aggregate classification (germline): Uncertain significance (1 of 4 stars; one submission).

Conditions:
Ullrich congenital muscular dystrophy 2 (UCMD2). Identifiers: Orphanet 75840, MedGen C4225314, MONDO:0014654, OMIM 616470.
Bethlem myopathy 2 (BTHLM2). Identifiers: Orphanet 536516, Orphanet 610, MedGen C4225313, MONDO:0034022, OMIM 616471.

gnomAD v4.1: 1 of 1,613,872 alleles (0.000062%); highest among the groups gnomAD compares: Non-Finnish European, 0.000085%; no homozygotes.

Submission:

Labcorp Genetics (formerly Invitae), Labcorp
Classification: Uncertain significance for Bethlem myopathy 2; Ullrich congenital muscular dystrophy 2. Last evaluated: 2024-09-23. Review status: criteria provided, single submitter. Criteria: Invitae Variant Classification Sherloc (09022015). Collection method: clinical testing. Allele origin: germline.
Comment: This sequence change replaces isoleucine, which is neutral and non-polar, with valine, which is neutral and non-polar, at codon 1285 of the COL12A1 protein (p.Ile1285Val). This variant is not present in population databases (gnomAD no frequency). This variant has not been reported in the literature in individuals affected with COL12A1-related conditions. Invitae Evidence Modeling of protein sequence and biophysical properties (such as structural, functional, and spatial information, amino acid conservation, physicochemical variation, residue mobility, and thermodynamic stability) has been performed for this missense variant. However, the output from this modeling did not meet the statistical confidence thresholds required to predict the impact of this variant on COL12A1 protein function. In summary, the available evidence is currently insufficient to determine the role of this variant in disease. Therefore, it has been classified as a Variant of Uncertain Significance.